The following is an entry in ClinVar:

ClinVar aggregate classification (germline): Uncertain significance (1 of 4 stars; one submission).

Conditions:
Adenylosuccinate lyase deficiency (ADSLD). Also called: ADSL DEFICIENCY. Identifiers: Orphanet 46, MedGen C0268126, MONDO:0007068, OMIM 103050.

Submission:

Labcorp Genetics (formerly Invitae), Labcorp
Classification: Uncertain significance for Adenylosuccinate lyase deficiency. Last evaluated: 2024-02-24. Review status: criteria provided, single submitter. Criteria: Invitae Variant Classification Sherloc (09022015). Collection method: clinical testing. Allele origin: germline.
Comment: This variant occurs in a non-coding region of the ADSL gene. It does not change the encoded amino acid sequence of the ADSL protein. This variant is not present in population databases (gnomAD no frequency). This variant has not been reported in the literature in individuals affected with ADSL-related conditions. Experimental studies and prediction algorithms are not available or were not evaluated, and the functional significance of this variant is currently unknown. In summary, the available evidence is currently insufficient to determine the role of this variant in disease. Therefore, it has been classified as a Variant of Uncertain Significance.

NC_000022.11:g.40345994G>A

Gene: ADSL (adenylosuccinate lyase; plus strand). Cytogenetic location: 22q13.1.
Variant type: single nucleotide variant.
Genome position: GRCh38 VCF-style: chr22-40345994-G-A. GRCh37 (hg19) VCF-style: chr22-40741998-G-A.
Identifiers: ClinVar variation 2100177 (VCV002100177.5), dbSNP rs1032678851, ClinGen allele CA2580099832.